The following is an entry in ClinVar:

ClinVar aggregate classification (germline): Uncertain significance (1 of 4 stars; one submission).

Submission:

GeneDx
Classification: Uncertain significance. Last evaluated: 2021-07-02. Review status: criteria provided, single submitter. Criteria: GeneDx Variant Classification Process June 2021. Collection method: clinical testing. Allele origin: germline. Affected: yes.
Comment: Not observed at significant frequency in large population cohorts (Lek et al., 2016); In silico analysis supports that this missense variant has a deleterious effect on protein structure/function; Has not been previously published as pathogenic or benign to our knowledge; This variant is associated with the following publications: (PMID: 27535533)

NM_001127222.2(CACNA1A):c.3280C>T (p.Pro1094Ser)

Gene: CACNA1A (calcium voltage-gated channel subunit alpha1 A; minus strand). Cytogenetic location: 19p13.13.
Variant type: single nucleotide variant.
Coding change: c.3280C>T on transcript NM_001127222.2 (MANE Select); coding-DNA position 3280, C replaced by T.
Protein change: p.Pro1094Ser; replaces proline 1094 with serine.
Molecular consequence: missense variant.
Genome position (GRCh38, 1-based): chr19:13,286,776, G>A on the plus strand (C>T on the coding strand, the complement: CACNA1A is on the minus strand). VCF-style: chr19-13286776-G-A. GRCh37 (hg19) VCF-style: chr19-13397590-G-A.
Other names: c.3292C>T, p.Pro1098Ser (NM_000068.4, NM_023035.3); c.3283C>T, p.Pro1095Ser (NM_001127221.2, NM_001174080.2); short protein forms P1094S, P1095S, P1098S.
Identifiers: ClinVar variation 1331268 (VCV001331268.2), dbSNP rs761596969, ClinGen allele CA404341690.
Genomic context (GRCh38, chr19:13,286,776, plus strand): 5'-TGGCCATGGCAGGGATGGCCAGCATGGGGCCGGGGTCGGTGCTGTTTCCCATCTTGGCTG[G>A]GCTCTGGGGCAGGCCGGCGTGGCCAAGGCTGCCGTGGGGAGCGGCCGACTCCGCGGTGGC-3'
Protein context (NP_001120694.1, residues 1084-1104): SLGHAGLPQS[Pro1094Ser]AKMGNSTDPG